The following is an entry in ClinVar:

ClinVar aggregate classification (germline): Likely benign (0 of 4 stars; one submission).

Conditions:
PCK2-related disorder. Also called: PCK2-related condition.

Allele frequency attached by ClinVar (database versions not stated): gnomAD exomes 0.00001; TOPMed 0.00001; ESP Exome Variant Server 0.00008.
gnomAD v4.1: 24 of 1,611,646 alleles (0.0015%); highest among the groups gnomAD compares: Middle Eastern, 0.033%; 1 homozygote.

Submission:

PreventionGenetics, part of Exact Sciences
Classification: Likely benign for PCK2-related condition. Last evaluated: 2021-12-12. Review status: no assertion criteria provided. Collection method: clinical testing. Allele origin: germline.
Comment: This variant is classified as likely benign based on ACMG/AMP sequence variant interpretation guidelines (Richards et al. 2015 PMID: 25741868, with internal and published modifications).

NM_004563.4(PCK2):c.753C>T (p.Ser251=)

Genes: NRL (neural retina leucine zipper; minus strand), PCK2 (phosphoenolpyruvate carboxykinase 2, mitochondrial; plus strand). Cytogenetic location: 14q11.2.
Variant type: single nucleotide variant.
Coding change: c.753C>T on transcript NM_004563.4 (MANE Select); coding-DNA position 753, C replaced by T.
Protein change: p.Ser251=; no amino-acid change (serine 251 retained).
Molecular consequence: synonymous variant. On other transcripts: intron variant (3).
Genome position (GRCh38, 1-based): chr14:24,099,137, C>T. VCF-style: chr14-24099137-C-T. GRCh37 (hg19) VCF-style: chr14-24568346-C-T.
Other names: c.753C>T, p.Ser251= (NM_001018073.3); c.351C>T, p.Ser117= (NM_001291556.2, NM_001308054.2); c.-28+15585G>A (NM_001354768.3, NM_001354770.2); c.-253-14392G>A (NM_006177.5).
Identifiers: ClinVar variation 3055845 (VCV003055845.2), dbSNP rs376443548, ClinGen allele CA257845968.
Genomic context (GRCh38, chr14:24,099,137, plus strand): 5'-CCCAGAGAAAACCCTGATTGGCCACGTGCCCGACCAGCGGGAGATCATCTCCTTCGGCAG[C>T]GGCTATGGTGGCAACTCCCTGCTGGGCAAGAAGTGCTTTGCCCTACGCATCGCCTCTCGG-3'
Protein context (NP_004554.3, residues 241-261): PDQREIISFG[Ser251=]GYGGNSLLGK